The following is an entry in ClinVar:

NM_014704.4(CEP104):c.2649G>A (p.Pro883=)

Gene: CEP104 (centrosomal protein 104; minus strand). Cytogenetic location: 1p36.32.
Variant type: single nucleotide variant.
Coding change: c.2649G>A on transcript NM_014704.4 (MANE Select); coding-DNA position 2649, G replaced by A.
Protein change: p.Pro883=; no amino-acid change (proline 883 retained).
Molecular consequence: synonymous variant.
Genome position (GRCh38, 1-based): chr1:3,816,293, C>T on the plus strand (G>A on the coding strand, the complement: CEP104 is on the minus strand). VCF-style: chr1-3816293-C-T. GRCh37 (hg19) VCF-style: chr1-3732857-C-T.
Other names: c.2649G>A (NM_014704.3).
Identifiers: ClinVar variation 1675337 (VCV001675337.38), dbSNP rs747029336, ClinGen allele CA551218.

ClinVar aggregate classification (germline): Likely benign. Review status: criteria provided, multiple submitters, no conflicts (2 of 4 stars). 4 submissions from 4 submitters: Likely benign (3). 1 of the submissions does not count toward it. Last evaluated 2024-11-01.

Conditions:
CEP104-related disorder. Also called: CEP104-related condition.
Joubert syndrome 25 (JBTS25). Identifiers: Orphanet 475, MedGen C4084842, MONDO:0014770, OMIM 616781.

Allele frequency attached by ClinVar (database versions not stated): gnomAD 0.00005 and 0.00006; TOPMed 0.00006; gnomAD exomes 0.00007; ExAC 0.00027.
gnomAD v4.1: 83 of 1,552,276 alleles (0.0053%); highest among the groups gnomAD compares: South Asian, 0.023%; 1 homozygote.

Submissions (4):

Labcorp Genetics (formerly Invitae), Labcorp
Classification: Likely benign for Joubert syndrome 25. Last evaluated: 2024-11-01. Review status: criteria provided, single submitter. Criteria: Invitae Variant Classification Sherloc (09022015). Collection method: clinical testing. Allele origin: germline.

Blueprint Genetics
Classification: Likely benign. Last evaluated: 2024-03-15. Review status: criteria provided, single submitter. Criteria: ACMG Guidelines, 2015. Collection method: clinical testing. Allele origin: germline.

CeGaT Center for Human Genetics Tuebingen
Classification: Likely benign. Last evaluated: 2022-01-01. Review status: criteria provided, single submitter. Criteria: CeGaT Center For Human Genetics Tuebingen Variant Classification Criteria Version 2. Collection method: clinical testing. Allele origin: germline. Affected: yes. Observed: 1 variant allele.

PreventionGenetics, part of Exact Sciences
Classification: Likely benign for CEP104-related condition. Last evaluated: 2019-03-13. Review status: no assertion criteria provided. Collection method: clinical testing. Allele origin: germline. Not counted in ClinVar's aggregate classification.
Comment: This variant is classified as likely benign based on ACMG/AMP sequence variant interpretation guidelines (Richards et al. 2015 PMID: 25741868, with internal and published modifications).